The following is an entry in ClinVar:

NM_006766.5(KAT6A):c.3612C>G (p.Ile1204Met)

Gene: KAT6A (lysine acetyltransferase 6A; minus strand). Cytogenetic location: 8p11.21.
Variant type: single nucleotide variant.
Coding change: c.3612C>G on transcript NM_006766.5 (MANE Select); coding-DNA position 3612, C replaced by G.
Protein change: p.Ile1204Met; replaces isoleucine 1204 with methionine.
Molecular consequence: missense variant.
Genome position (GRCh38, 1-based): chr8:41,934,608, G>C on the plus strand (C>G on the coding strand, the complement: KAT6A is on the minus strand). VCF-style: chr8-41934608-G-C. GRCh37 (hg19) VCF-style: chr8-41792126-G-C.
Other names: short protein forms I1204M.
Identifiers: ClinVar variation 3644499 (VCV003644499.2).

ClinVar aggregate classification (germline): Uncertain significance (1 of 4 stars; one submission).

gnomAD v4.1: 2 of 1,614,040 alleles (0.00012%); highest among the groups gnomAD compares: Non-Finnish European, 0.00017%; no homozygotes.

Submission:

Labcorp Genetics (formerly Invitae), Labcorp
Classification: Uncertain significance. Last evaluated: 2024-03-07. Review status: criteria provided, single submitter. Criteria: Invitae Variant Classification Sherloc (09022015). Collection method: clinical testing. Allele origin: germline.
Comment: This sequence change replaces isoleucine, which is neutral and non-polar, with methionine, which is neutral and non-polar, at codon 1204 of the KAT6A protein (p.Ile1204Met). This variant is present in population databases (rs372970932, gnomAD 0.002%). This variant has not been reported in the literature in individuals affected with KAT6A-related conditions. Advanced modeling of protein sequence and biophysical properties (such as structural, functional, and spatial information, amino acid conservation, physicochemical variation, residue mobility, and thermodynamic stability) performed at Invitae indicates that this missense variant is not expected to disrupt KAT6A protein function with a negative predictive value of 80%. In summary, the available evidence is currently insufficient to determine the role of this variant in disease. Therefore, it has been classified as a Variant of Uncertain Significance.